The following is an entry in ClinVar:

NM_006767.4(LZTR1):c.315G>T (p.Trp105Cys)

Gene: LZTR1 (leucine zipper like post translational regulator 1; plus strand). Cytogenetic location: 22q11.21.
Variant type: single nucleotide variant.
Coding change: c.315G>T on transcript NM_006767.4 (MANE Select); coding-DNA position 315, G replaced by T.
Protein change: p.Trp105Cys; replaces tryptophan 105 with cysteine.
Molecular consequence: missense variant.
Genome position (GRCh38, 1-based): chr22:20,985,892, G>T. VCF-style: chr22-20985892-G-T. GRCh37 (hg19) VCF-style: chr22-21340181-G-T.
Other names: short protein forms W105C.
Identifiers: ClinVar variation 3238269 (VCV003238269.1), dbSNP rs1311529652.

ClinVar aggregate classification (germline): Uncertain significance (1 of 4 stars; one submission).

Conditions:
Hereditary cancer-predisposing syndrome. Also called: Neoplastic Syndromes, Hereditary; Tumor predisposition; Hereditary neoplastic syndrome; Hereditary Cancer Syndrome. Identifiers: Orphanet 140162, MedGen C0027672, MeSH D009386, MONDO:0015356.
Cardiovascular phenotype. Identifiers: MedGen CN230736.

gnomAD v4.1: 1 of 1,614,122 alleles (0.000062%); highest among the groups gnomAD compares: Non-Finnish European, 0.000085%; no homozygotes.

Submission:

Ambry Genetics
Classification: Uncertain significance for Cardiovascular phenotype; Hereditary cancer-predisposing syndrome. Last evaluated: 2023-11-04. Review status: criteria provided, single submitter. Criteria: Ambry Variant Classification Scheme 2023. Collection method: clinical testing. Allele origin: germline.
Comment: The p.W105C variant (also known as c.315G>T), located in coding exon 3 of the LZTR1 gene, results from a G to T substitution at nucleotide position 315. The tryptophan at codon 105 is replaced by cysteine, an amino acid with highly dissimilar properties. This amino acid position is conserved. In addition, this alteration is predicted to be deleterious by in silico analysis. Since supporting evidence is limited at this time, the clinical significance of this alteration remains unclear.